The following is an entry in ClinVar:

ClinVar aggregate classification (germline): Pathogenic (1 of 4 stars; one submission).

Conditions:
Familial thoracic aortic aneurysm and aortic dissection (TAAD). Also called: Thoracic aortic aneurysms and dissections. Identifiers: Orphanet 91387, MedGen C4707243, MONDO:0019625.
Marfan syndrome (MFS). Also called: Marfan syndrome type 1; Marfan's syndrome; Marfan syndrome, classic; MARFAN SYNDROME, TYPE I; FBN1-Related Marfan Syndrome. Identifiers: Orphanet 284963, Orphanet 558, MedGen C0024796, MONDO:0007947, OMIM 154700.

Submission:

Labcorp Genetics (formerly Invitae), Labcorp
Classification: Pathogenic for Marfan syndrome; Familial thoracic aortic aneurysm and aortic dissection. Last evaluated: 2020-03-23. Review status: criteria provided, single submitter. Criteria: Invitae Variant Classification Sherloc (09022015). Collection method: clinical testing. Allele origin: germline.
Comment: This variant has been observed in individual(s) with Marfan syndrome (PMID: 29768367, Invitae). Algorithms developed to predict the effect of missense changes on protein structure and function are either unavailable or do not agree on the potential impact of this missense change (SIFT: "Tolerated"; PolyPhen-2: "Probably Damaging"; Align-GVGD: "Class C0"). This variant disrupts the p.Cys1420 amino acid residue in FBN1. Other variant(s) that disrupt this residue have been observed in individuals with FBN1-related conditions (PMID: 22736615, 24793577), which suggests that this may be a clinically significant amino acid residue. For these reasons, this variant has been classified as Pathogenic. This variant affects a cysteine residue in the EGF-like, TGFBP or hybrid motif domains of FBN1. Cysteine residues are believed to be involved in intramolecular disulfide bridges and have been shown to be important for FBN1 protein structure (PMID: 16905551, 19349279). In addition, missense substitutions affecting cysteine residues within these domains are significantly overrepresented among patients with Marfan syndrome (PMID: 16571647, 17701892). This variant is not present in population databases (ExAC no frequency). This sequence change replaces cysteine with arginine at codon 1420 of the FBN1 protein (p.Cys1420Arg). The cysteine residue is highly conserved and there is a large physicochemical difference between cysteine and arginine.

Literature cited by the submitters: PubMed 29768367; PubMed 22736615; PubMed 24793577; PubMed 16905551; PubMed 19349279; PubMed 16571647; PubMed 17701892.

NM_000138.5(FBN1):c.4258T>C (p.Cys1420Arg)

Genes: FBN1 (fibrillin 1; minus strand), LOC126862124 (CDK7 strongly-dependent group 2 enhancer GRCh37_chr15:48764566-48765765; plus strand). Cytogenetic location: 15q21.1.
Variant type: single nucleotide variant.
Coding change: c.4258T>C on transcript NM_000138.5 (MANE Select); coding-DNA position 4258, T replaced by C.
Protein change: p.Cys1420Arg; replaces cysteine 1420 with arginine.
Molecular consequence: missense variant.
Genome position (GRCh38, 1-based): chr15:48,472,629, A>G on the plus strand (T>C on the coding strand, the complement: FBN1 is on the minus strand). VCF-style: chr15-48472629-A-G. GRCh37 (hg19) VCF-style: chr15-48764826-A-G.
Other names: short protein forms C1420R.
Identifiers: ClinVar variation 1073227 (VCV001073227.9), dbSNP rs2043386188, ClinGen allele CA392317906.